The following is an entry in ClinVar:

ClinVar aggregate classification (germline): Conflicting classifications of pathogenicity. Review status: criteria provided, conflicting classifications (1 of 4 stars). 3 submissions from 3 submitters: Uncertain significance (1); Likely benign (2). Last evaluated 2025-06-12.

Conditions:
Inborn genetic diseases. Identifiers: MedGen C0950123, MeSH D030342.

Allele frequency attached by ClinVar (database versions not stated): ESP Exome Variant Server 0.00008; 1000 Genomes Project 0.00020; gnomAD 0.00023 and 0.00027; 1000 Genomes Project 30x 0.00031; TOPMed 0.00040.
gnomAD v4.1: 134 of 1,614,236 alleles (0.0083%); highest among the groups gnomAD compares: African/African-American, 0.12%; no homozygotes.

Submissions (3):

Labcorp Genetics (formerly Invitae), Labcorp
Classification: Likely benign. Last evaluated: 2025-06-12. Review status: criteria provided, single submitter. Criteria: Invitae Variant Classification Sherloc (09022015). Collection method: clinical testing. Allele origin: germline.

GeneDx
Classification: Uncertain significance. Last evaluated: 2024-05-30. Review status: criteria provided, single submitter. Criteria: GeneDx Variant Classification Process June 2021. Collection method: clinical testing. Allele origin: germline. Affected: yes.
Comment: Has not been previously published as pathogenic or benign to our knowledge; In silico analysis indicates that this missense variant does not alter protein structure/function

Ambry Genetics
Classification: Likely benign for Inborn genetic diseases. Last evaluated: 2022-01-10. Review status: criteria provided, single submitter. Criteria: Ambry Variant Classification Scheme 2023. Collection method: clinical testing. Allele origin: germline.

NM_001457.4(FLNB):c.6193G>A (p.Val2065Met)

Gene: FLNB (filamin B; plus strand). Cytogenetic location: 3p14.3.
Variant type: single nucleotide variant.
Coding change: c.6193G>A on transcript NM_001457.4 (MANE Select); coding-DNA position 6193, G replaced by A.
Protein change: p.Val2065Met; replaces valine 2065 with methionine.
Molecular consequence: missense variant.
Genome position (GRCh38, 1-based): chr3:58,149,951, G>A. VCF-style: chr3-58149951-G-A. GRCh37 (hg19) VCF-style: chr3-58135678-G-A.
Other names: c.6286G>A, p.Val2096Met (NM_001164317.2); c.6160G>A, p.Val2054Met (NM_001164318.2); c.6121G>A, p.Val2041Met (NM_001164319.2); short protein forms V2041M, V2054M, V2065M, V2096M.
Identifiers: ClinVar variation 1306897 (VCV001306897.13), dbSNP rs371167931, ClinGen allele CA2469269.